The following is an entry in ClinVar:

NM_000038.6(APC):c.4310A>G (p.Lys1437Arg)

Gene: APC (APC regulator of Wnt signaling pathway; plus strand). Cytogenetic location: 5q22.2.
Variant type: single nucleotide variant.
Coding change: c.4310A>G on transcript NM_000038.6 (MANE Select); coding-DNA position 4310, A replaced by G.
Protein change: p.Lys1437Arg; replaces lysine 1437 with arginine.
Molecular consequence: missense variant.
Genome position (GRCh38, 1-based): chr5:112,839,904, A>G. VCF-style: chr5-112839904-A-G. GRCh37 (hg19) VCF-style: chr5-112175601-A-G.
Other names: c.4310A>G, p.Lys1437Arg (NM_001127510.3, NM_001354895.2); c.4256A>G, p.Lys1419Arg (NM_001127511.3); c.4364A>G, p.Lys1455Arg (NM_001354896.2); c.4340A>G, p.Lys1447Arg (NM_001354897.2); c.4235A>G, p.Lys1412Arg (NM_001354898.2); c.4226A>G, p.Lys1409Arg (NM_001354899.2); c.4187A>G, p.Lys1396Arg (NM_001354900.2); c.4133A>G, p.Lys1378Arg (NM_001354901.2); and 5 more; short protein forms K1419R, K1437R, K1277R, K1336R, K1346R, K1409R, K1311R, K1396R.
Identifiers: ClinVar variation 230719 (VCV000230719.33), dbSNP rs745825088, ClinGen allele CA038588.

ClinVar aggregate classification (germline): Conflicting classifications of pathogenicity. Review status: criteria provided, conflicting classifications (1 of 4 stars). 10 submissions from 10 submitters: Uncertain significance (7); Benign (2); Likely benign (1). Last evaluated 2026-01-11.

Conditions:
APC-related disorder. Also called: APC-related condition.
Classic or attenuated familial adenomatous polyposis. Identifiers: MedGen CN372698, MONDO:0021057.
Hereditary cancer-predisposing syndrome. Also called: Neoplastic Syndromes, Hereditary; Tumor predisposition; Hereditary Cancer Syndrome; Hereditary neoplastic syndrome. Identifiers: Orphanet 140162, MedGen C0027672, MeSH D009386, MONDO:0015356.
Familial adenomatous polyposis 1 (FAP1). Also called: FAMILIAL ADENOMATOUS POLYPOSIS 1, ATTENUATED; POLYPOSIS, ADENOMATOUS INTESTINAL. Identifiers: MedGen C2713442, MONDO:0021056, OMIM 175100. Disease mechanism: loss of function.

Allele frequency attached by ClinVar (database versions not stated): gnomAD 0.00001 and 0.00002; gnomAD exomes 0.00001 and 0.00002; TOPMed 0.00001; ExAC 0.00002.
gnomAD v4.1: 22 of 1,613,952 alleles (0.0014%); highest among the groups gnomAD compares: Admixed American, 0.0017%; no homozygotes.

Submissions (10):

Labcorp Genetics (formerly Invitae), Labcorp
Classification: Uncertain significance for Familial adenomatous polyposis 1. Last evaluated: 2026-01-11. Review status: criteria provided, single submitter. Criteria: Invitae Variant Classification Sherloc (09022015). Collection method: clinical testing. Allele origin: germline.
Comment: This sequence change replaces lysine, which is basic and polar, with arginine, which is basic and polar, at codon 1437 of the APC protein (p.Lys1437Arg). This variant is present in population databases (rs745825088, gnomAD 0.004%). This variant has not been reported in the literature in individuals affected with APC-related conditions. ClinVar contains an entry for this variant (Variation ID: 230719). Invitae Evidence Modeling of protein sequence and biophysical properties (such as structural, functional, and spatial information, amino acid conservation, physicochemical variation, residue mobility, and thermodynamic stability) indicates that this missense variant is not expected to disrupt APC protein function with a negative predictive value of 95%. In summary, the available evidence is currently insufficient to determine the role of this variant in disease. Therefore, it has been classified as a Variant of Uncertain Significance.

PreventionGenetics, part of Exact Sciences
Classification: Uncertain significance for APC-related condition. Last evaluated: 2025-11-10. Review status: criteria provided, single submitter. Criteria: ACMG Guidelines, 2015. Collection method: clinical testing. Allele origin: germline.
Comment: The APC c.4310A>G variant is predicted to result in the amino acid substitution p.Lys1437Arg. This variant was reported in one individual with breast cancer and in one asymptomatic individual with a family history of breast cancer (Table S3, de Oliveira et al. 2022. PubMed ID: 35534704). This variant was also identified as a variant of uncertain significance in a large breast and ovarian cancer screening (Table 2, Pereira et al. 2022. PubMed ID: 35980532). This variant is reported in 0.0046% of alleles in individuals of European (Finnish) descent in gnomAD and is has conflicting interpretations of pathogenicity in ClinVar ranging from uncertain significance to benign (Variation ID: 230719). At this time, the clinical significance of this variant is uncertain due to the absence of conclusive functional and genetic evidence.

Quest Diagnostics Nichols Institute San Juan Capistrano
Classification: Uncertain significance. Last evaluated: 2025-08-20. Review status: criteria provided, single submitter. Criteria: Quest Diagnostics criteria. Collection method: clinical testing. Allele origin: unknown.
Comment: The APC c.4310A>G (p.Lys1437Arg) variant has been reported in the published literature in individuals with breast cancer (PMID: 35264596 (2022), 35534704 (2022)). This variant has also been identified in a reportedly unaffected individual (PMID: 35534704 (2022)). The frequency of this variant in the general population (Genome Aggregation Database) is uninformative in the assessment of its pathogenicity. Analysis of this variant using bioinformatics tools for the prediction of the effect of amino acid changes on protein structure and function yielded predictions that this variant is damaging. Based on the available information, we are unable to determine the clinical significance of this variant.

Ambry Genetics
Classification: Benign for Hereditary cancer-predisposing syndrome. Last evaluated: 2025-05-16. Review status: criteria provided, single submitter. Criteria: Ambry Variant Classification Scheme 2023. Collection method: clinical testing. Allele origin: germline.

Center for Genomic Medicine, Rigshospitalet, Copenhagen University Hospital
Classification: Benign. Last evaluated: 2025-03-04. Review status: criteria provided, single submitter. Criteria: ACMG Guidelines, 2015. Collection method: clinical testing. Allele origin: germline.

Color Diagnostics, LLC DBA Color Health
Classification: Likely benign for Hereditary cancer-predisposing syndrome. Last evaluated: 2024-11-14. Review status: criteria provided, single submitter. Criteria: ACMG Guidelines, 2015. Collection method: clinical testing. Allele origin: germline.

All of Us Research Program, National Institutes of Health
Classification: Uncertain significance for Classic or attenuated familial adenomatous polyposis. Last evaluated: 2024-03-05. Review status: criteria provided, single submitter. Criteria: ACMG Guidelines, 2015. Collection method: clinical testing. Allele origin: germline. Inheritance: Autosomal dominant inheritance. Observed: 6 variant alleles, 6 heterozygotes.
Comment: This missense variant replaces lysine with arginine at codon 1437 of the APC protein. Computational prediction tool is inconclusive regarding the impact of this variant on protein structure and function (internally defined REVEL score threshold 0.5 < inconclusive < 0.7, PMID: 27666373). Splice site prediction tools suggest that this variant may not impact RNA splicing. To our knowledge, functional studies have not been performed for this variant. This variant has not been reported in individuals affected with hereditary cancer in the literature. This variant has been identified in 4/251050 chromosomes in the general population by the Genome Aggregation Database (gnomAD). The available evidence is insufficient to determine the role of this variant in disease conclusively. Therefore, this variant is classified as a Variant of Uncertain Significance.

This study involves interpretation of variants in research participants for the purpose of population health screening. Participant phenotype was not available at the time of variant classification. Additional details can be found in publication PMID: 35346344, PMCID: PMC8962531

Baylor Genetics
Classification: Uncertain significance for Familial adenomatous polyposis 1. Last evaluated: 2024-01-02. Review status: criteria provided, single submitter. Criteria: ACMG Guidelines, 2015. Collection method: clinical testing. Allele origin: unknown.

GeneDx
Classification: Uncertain significance. Last evaluated: 2023-01-11. Review status: criteria provided, single submitter. Criteria: GeneDx Variant Classification Process June 2021. Collection method: clinical testing. Allele origin: germline. Affected: yes.
Comment: Not observed at a significant frequency in large population cohorts (gnomAD); In silico analysis supports that this missense variant does not alter protein structure/function; Has not been previously published as pathogenic or benign to our knowledge; This variant is associated with the following publications: (PMID: 18199528)

Mendelics
Classification: Uncertain significance for Familial adenomatous polyposis 1. Last evaluated: 2018-07-02. Review status: criteria provided, single submitter. Criteria: Mendelics Assertion Criteria 2017. Collection method: clinical testing. Allele origin: unknown.

Literature cited by the submitters: PubMed 35264596 (cited by Quest Diagnostics Nichols Institute San Juan Capistrano); PubMed 35534704 (cited by Quest Diagnostics Nichols Institute San Juan Capistrano); PubMed 35980532 (cited by Quest Diagnostics Nichols Institute San Juan Capistrano).